The following is an entry in ClinVar:

NM_000129.4(F13A1):c.*126T>C

Gene: F13A1 (coagulation factor XIII A chain; minus strand). Cytogenetic location: 6p25.1.
Variant type: single nucleotide variant.
Coding change: c.*126T>C on transcript NM_000129.4 (MANE Select); 126 bases downstream of the stop codon, T replaced by C.
Molecular consequence: 3 prime UTR variant.
Genome position (GRCh38, 1-based): chr6:6,145,493, A>G on the plus strand (T>C on the coding strand, the complement: F13A1 is on the minus strand). VCF-style: chr6-6145493-A-G. GRCh37 (hg19) VCF-style: chr6-6145726-A-G.
Identifiers: ClinVar variation 357663 (VCV000357663.6), dbSNP rs1050782, ClinGen allele CA10627391.

ClinVar aggregate classification (germline): Benign. Review status: criteria provided, multiple submitters, no conflicts (2 of 4 stars). 2 submissions from 2 submitters: Benign (2). Last evaluated 2021-06-18.

Conditions:
Factor XIII, A subunit, deficiency of. Also called: Factor XIII subunit A deficiency. Identifiers: Orphanet 331, MedGen C2750514, MONDO:0013187, OMIM 613225, HP:0040233.

Allele frequency attached by ClinVar (database versions not stated): gnomAD exomes 0.45409; gnomAD 0.51849 and 0.52358; 1000 Genomes Project 0.52336; TOPMed 0.53108; 1000 Genomes Project 30x 0.53201.
gnomAD v4.1: 540,036 of 1,166,628 alleles (46%); highest among the groups gnomAD compares: African/African-American, 71%; 129,064 homozygotes.

Submissions (2):

GeneDx
Classification: Benign. Last evaluated: 2021-06-18. Review status: criteria provided, single submitter. Criteria: GeneDx Variant Classification Process June 2021. Collection method: clinical testing. Allele origin: germline. Affected: yes.

Illumina Laboratory Services, Illumina
Classification: Benign for Factor XIII, A subunit, deficiency of. Last evaluated: 2018-01-13. Review status: criteria provided, single submitter. Criteria: ICSL Variant Classification Criteria 13 December 2019. Collection method: clinical testing. Allele origin: germline.
Comment: This variant was observed in the ICSL laboratory as part of a predisposition screen in an ostensibly healthy population. It had not been previously curated by ICSL or reported in the Human Gene Mutation Database (HGMD: prior to June 1st, 2018), and was therefore a candidate for classification through an automated scoring system. Utilizing variant allele frequency, disease prevalence and penetrance estimates, and inheritance mode, an automated score was calculated to assess if this variant is too frequent to cause the disease. Based on the score and internal cut-off values, a variant classified as benign is not then subjected to further curation. The score for this variant resulted in a classification of benign for this disease.